The following is an entry in ClinVar:

ClinVar aggregate classification (germline): Uncertain significance (1 of 4 stars; one submission).

Submission:

GeneDx
Classification: Uncertain significance. Last evaluated: 2024-02-06. Review status: criteria provided, single submitter. Criteria: GeneDx Variant Classification Process June 2021. Collection method: clinical testing. Allele origin: germline. Affected: yes.
Comment: Not observed at significant frequency in large population cohorts (gnomAD); In silico analysis supports that this missense variant does not alter protein structure/function; Has not been previously published as pathogenic or benign to our knowledge

NM_006265.3(RAD21):c.889G>A (p.Val297Ile)

Gene: RAD21 (RAD21 cohesin complex component; minus strand). Cytogenetic location: 8q24.11.
Variant type: single nucleotide variant.
Coding change: c.889G>A on transcript NM_006265.3 (MANE Select); coding-DNA position 889, G replaced by A.
Protein change: p.Val297Ile; replaces valine 297 with isoleucine.
Molecular consequence: missense variant.
Genome position (GRCh38, 1-based): chr8:116,856,214, C>T on the plus strand (G>A on the coding strand, the complement: RAD21 is on the minus strand). VCF-style: chr8-116856214-C-T. GRCh37 (hg19) VCF-style: chr8-117868453-C-T.
Other names: short protein forms V297I.
Identifiers: ClinVar variation 3368858 (VCV003368858.1).